The following is an entry in ClinVar:

ClinVar aggregate classification (germline): Uncertain significance (1 of 4 stars; one submission).

Submission:

Dasa
Classification: Uncertain significance. Last evaluated: 2025-01-10. Review status: criteria provided, single submitter. Criteria: DASA Assertion Criteria. Collection method: clinical testing. Allele origin: germline.
Comment: NM_014141.6(CNTNAP2):c.2708A>G (p.Gln903Arg) is a missense variant that results in the substitution of glutamine with arginine. This variant is absent from population databases. Computational prediction algorithms are consistent with a benign effect. The currently available literature and clinical evidence are not sufficient to establish a definitive association between this variant and the reported condition. Therefore, this variant is classified as a variant of uncertain significance.

NM_014141.6(CNTNAP2):c.2708A>G (p.Gln903Arg)

Gene: CNTNAP2 (contactin associated protein 2; plus strand). Cytogenetic location: 7q35.
Variant type: single nucleotide variant.
Coding change: c.2708A>G on transcript NM_014141.6 (MANE Select); coding-DNA position 2708, A replaced by G.
Protein change: p.Gln903Arg; replaces glutamine 903 with arginine.
Molecular consequence: missense variant.
Genome position (GRCh38, 1-based): chr7:148,147,644, A>G. VCF-style: chr7-148147644-A-G. GRCh37 (hg19) VCF-style: chr7-147844736-A-G.
Other names: short protein forms Q903R.
Identifiers: ClinVar variation 4881320 (VCV004881320.2).
Genomic context (GRCh38, chr7:148,147,644, plus strand): 5'-ACCGGGTCACTGCAGAGAGGAATGTCAAGCAGGCCAGCCTACAGGTGGACCGGCTACCGC[A>G]GCAGATCCGCAAGGCCCCAACAGAAGGCCACACCCGCCTGGAGCTCTACAGCCAGTTATT-3'
Protein context (NP_054860.1, residues 893-913): QASLQVDRLP[Gln903Arg]QIRKAPTEGH